The following is an entry in ClinVar:

NM_000231.3(SGCG):c.699_702del (p.Met234fs)

Gene: SGCG (sarcoglycan gamma; plus strand). Cytogenetic location: 13q12.12.
Variant type: Deletion.
Coding change: c.699_702del on transcript NM_000231.3 (MANE Select); coding-DNA positions 699 to 702, 4 bases deleted (AATG; older notation c.699_702delAATG).
Protein change: p.Met234fs; shifts the reading frame from methionine 234.
Molecular consequence: frameshift variant.
Genome position (GRCh38, 1-based): chr13:23,320,757-23,320,760, AATG deleted; deleting any 4 consecutive bases within chr13:23,320,756-23,320,760 gives the same sequence; the c. name uses the placement nearest the transcript's 3' end. VCF-style (leftmost placement, unchanged base first): chr13-23320755-GGAAT-G. GRCh37 (hg19) VCF-style: chr13-23894894-GGAAT-G.
Other names: c.753_756del, p.Met252fs (NM_001378244.1); c.699_702del, p.Met234fs (NM_001378245.1, NM_001378246.1); short protein forms M234fs, M252fs.
Identifiers: ClinVar variation 1073532 (VCV001073532.9), dbSNP rs2137528349, ClinGen allele CA2499221968.

ClinVar aggregate classification (germline): Pathogenic (1 of 4 stars; one submission).

Conditions:
Autosomal recessive limb-girdle muscular dystrophy type 2C (LGMDR5). Also called: MUSCULAR DYSTROPHY, DUCHENNE-LIKE; MUSCULAR DYSTROPHY, LIMB-GIRDLE, AUTOSOMAL RECESSIVE 5. Identifiers: Orphanet 353, MedGen C0410173, MONDO:0009677, OMIM 253700. Disease mechanism: Affects gamma-sarcoglycan and also disrupts the integrity of the entire sarcoglycan complex..

Submission:

Labcorp Genetics (formerly Invitae), Labcorp
Classification: Pathogenic for Autosomal recessive limb-girdle muscular dystrophy type 2C. Last evaluated: 2020-04-02. Review status: criteria provided, single submitter. Criteria: Invitae Variant Classification Sherloc (09022015). Collection method: clinical testing. Allele origin: germline.
Comment: For these reasons, this variant has been classified as Pathogenic. This sequence change results in a premature translational stop signal in the SGCG gene (p.Met234Leufs*45). While this is not anticipated to result in nonsense mediated decay, it is expected to disrupt the last 58 amino acids of the SGCG protein. This variant is not present in population databases (ExAC no frequency). This variant has not been reported in the literature in individuals with SGCG-related conditions. This variant disrupts the C-terminus of the SGCG protein. Other variant(s) that disrupt this region (p.Thr251Serfs*29) have been determined to be pathogenic (Invitae). This suggests that variants that disrupt this region of the protein are likely to be causative of disease.